The following is an entry in ClinVar:

NM_005422.4(TECTA):c.4082G>T (p.Gly1361Val)

Genes: TBCEL-TECTA (TBCEL-TECTA readthrough; plus strand), TECTA (tectorin alpha; plus strand). Cytogenetic location: 11q23.3.
Variant type: single nucleotide variant.
Coding change: c.4082G>T on transcript NM_005422.4 (MANE Select); coding-DNA position 4082, G replaced by T.
Protein change: p.Gly1361Val; replaces glycine 1361 with valine.
Molecular consequence: missense variant.
Genome position (GRCh38, 1-based): chr11:121,146,093, G>T. VCF-style: chr11-121146093-G-T. GRCh37 (hg19) VCF-style: chr11-121016802-G-T.
Other names: c.5039G>T, p.Gly1680Val (NM_001378761.1); short protein forms G1680V, G1361V.
Identifiers: ClinVar variation 2788334 (VCV002788334.3), dbSNP rs1262306162, ClinGen allele CA383023597.

ClinVar aggregate classification (germline): Uncertain significance (1 of 4 stars; one submission).

Allele frequency attached by ClinVar (database versions not stated): gnomAD 0.00001; TOPMed 0.00001.
gnomAD v4.1: 4 of 1,610,556 alleles (0.00025%); highest among the groups gnomAD compares: Non-Finnish European, 0.00034%; no homozygotes.

Submission:

Labcorp Genetics (formerly Invitae), Labcorp
Classification: Uncertain significance. Last evaluated: 2024-05-08. Review status: criteria provided, single submitter. Criteria: Invitae Variant Classification Sherloc (09022015). Collection method: clinical testing. Allele origin: germline.
Comment: This sequence change replaces glycine, which is neutral and non-polar, with valine, which is neutral and non-polar, at codon 1361 of the TECTA protein (p.Gly1361Val). The frequency data for this variant in the population databases is considered unreliable, as metrics indicate poor data quality at this position in the gnomAD database. This variant has not been reported in the literature in individuals affected with TECTA-related conditions. Advanced modeling of protein sequence and biophysical properties (such as structural, functional, and spatial information, amino acid conservation, physicochemical variation, residue mobility, and thermodynamic stability) performed at Invitae indicates that this missense variant is not expected to disrupt TECTA protein function with a negative predictive value of 95%. In summary, the available evidence is currently insufficient to determine the role of this variant in disease. Therefore, it has been classified as a Variant of Uncertain Significance.